The following is an entry in ClinVar:

ClinVar aggregate classification (germline): Conflicting classifications of pathogenicity. Review status: criteria provided, conflicting classifications (1 of 4 stars). 6 submissions from 6 submitters: Uncertain significance (1); Benign (3); Likely benign (2). Last evaluated 2026-01-27.

Conditions:
Myopathy, centronuclear, 2 (CNM2). Also called: MYOTUBULAR MYOPATHY, AUTOSOMAL RECESSIVE. Identifiers: Orphanet 169186, MedGen CN031787, MONDO:0009709, OMIM 255200.

Allele frequency attached by ClinVar (database versions not stated): 1000 Genomes Project 30x 0.00281; 1000 Genomes Project 0.00300; TOPMed 0.00756; gnomAD exomes 0.00825 and 0.00920; ESP Exome Variant Server 0.00869; gnomAD 0.00873 and 0.00935; ExAC 0.00938.
gnomAD v4.1: 14,676 of 1,613,860 alleles (0.91%); highest among the groups gnomAD compares: Non-Finnish European, 1.1%; 88 homozygotes.

Submissions (6):

Labcorp Genetics (formerly Invitae), Labcorp
Classification: Benign for Myopathy, centronuclear, 2. Last evaluated: 2026-01-27. Review status: criteria provided, single submitter. Criteria: Invitae Variant Classification Sherloc (09022015). Collection method: clinical testing. Allele origin: germline.

Blueprint Genetics
Classification: Likely benign. Last evaluated: 2024-11-22. Review status: criteria provided, single submitter. Criteria: ACMG Guidelines, 2015. Collection method: clinical testing. Allele origin: germline.

Illumina Laboratory Services, Illumina
Classification: Uncertain significance for Myopathy, centronuclear, 2. Last evaluated: 2018-01-12. Review status: criteria provided, single submitter. Criteria: ICSL Variant Classification Criteria 13 December 2019. Collection method: clinical testing. Allele origin: germline.

GeneDx
Classification: Benign. Last evaluated: 2016-04-19. Review status: criteria provided, single submitter. Criteria: GeneDx Variant Classification (06012015). Collection method: clinical testing. Allele origin: germline. Affected: yes.
Comment: This variant is considered likely benign or benign based on one or more of the following criteria: it is a conservative change, it occurs at a poorly conserved position in the protein, it is predicted to be benign by multiple in silico algorithms, and/or has population frequency not consistent with disease.

Genetic Services Laboratory, University of Chicago
Classification: Likely benign. Last evaluated: 2014-07-31. Review status: criteria provided, single submitter. Criteria: ACMG Guidelines, 2015. Collection method: clinical testing. Allele origin: germline.

PreventionGenetics, part of Exact Sciences
Classification: Benign. Review status: criteria provided, single submitter. Criteria: ACMG Guidelines, 2015. Collection method: clinical testing. Allele origin: germline.

NM_139343.3(BIN1):c.1263+11C>T

Gene: BIN1 (bridging integrator 1; minus strand). Cytogenetic location: 2q14.3.
Variant type: single nucleotide variant.
Coding change: c.1263+11C>T on transcript NM_139343.3 (MANE Select); 11 bases into the intron after coding-DNA position 1263, C replaced by T.
Molecular consequence: intron variant.
Genome position (GRCh38, 1-based): chr2:127,053,411, G>A on the plus strand (C>T on the coding strand, the complement: BIN1 is on the minus strand). VCF-style: chr2-127053411-G-A. GRCh37 (hg19) VCF-style: chr2-127810987-G-A.
Other names: c.1182+11C>T (NM_001320642.1); c.838-2499C>T (NM_001320634.1); c.910-2499C>T (NM_139351.3); c.910-2168C>T (NM_139350.3); c.910-1049C>T (NM_139349.3); c.1039-2168C>T (NM_139348.3); c.1039-1049C>T (NM_139347.3); c.1170+11C>T (NM_001320641.2); and 7 more.
Identifiers: ClinVar variation 210527 (VCV000210527.18), dbSNP rs78967885, ClinGen allele CA205892.